The following is an entry in ClinVar:

NM_015354.3(NUP188):c.190A>G (p.Asn64Asp)

Gene: NUP188 (nucleoporin 188; plus strand). Cytogenetic location: 9q34.11.
Variant type: single nucleotide variant.
Coding change: c.190A>G on transcript NM_015354.3 (MANE Select); coding-DNA position 190, A replaced by G.
Protein change: p.Asn64Asp; replaces asparagine 64 with aspartic acid.
Molecular consequence: missense variant.
Genome position (GRCh38, 1-based): chr9:128,956,378, A>G. VCF-style: chr9-128956378-A-G. GRCh37 (hg19) VCF-style: chr9-131718657-A-G.
Other names: c.190A>G (NM_015354.2); short protein forms N64D.
Identifiers: ClinVar variation 2346799 (VCV002346799.23), dbSNP rs200724620, ClinGen allele CA5271925.
Genomic context (GRCh38, chr9:128,956,378, plus strand): 5'-AATGAAGAAATGATTCACTGTTCTTTTTGTAGTCCAAGTTCAGCTGAAAAAGTGAAAGCT[A>G]ATAAAGATGTAGCTTCACCATTGAAGGAACTGGGTTTAAGAATCAGCAAGTTTTTGGTGA-3'
Protein context (NP_056169.1, residues 54-74): SPSSAEKVKA[Asn64Asp]KDVASPLKEL

ClinVar aggregate classification (germline): Likely benign. Review status: criteria provided, multiple submitters, no conflicts (2 of 4 stars). 3 submissions from 3 submitters: Likely benign (2). 1 of the submissions does not count toward it. Last evaluated 2024-12-01.

Conditions:
NUP188-related disorder. Also called: NUP188-related condition.
Inborn genetic diseases. Identifiers: MedGen C0950123, MeSH D030342.

Allele frequency attached by ClinVar (database versions not stated): ESP Exome Variant Server 0.00015; TOPMed 0.00022; gnomAD 0.00044; gnomAD exomes 0.00069; 1000 Genomes Project 30x 0.00156; ExAC 0.00165; 1000 Genomes Project 0.00180.
gnomAD v4.1: 1,085 of 1,578,168 alleles (0.069%); highest among the groups gnomAD compares: South Asian, 0.95%; 10 homozygotes.

Submissions (3):

CeGaT Center for Human Genetics Tuebingen
Classification: Likely benign. Last evaluated: 2024-12-01. Review status: criteria provided, single submitter. Criteria: CeGaT Center For Human Genetics Tuebingen Variant Classification Criteria Version 2. Collection method: clinical testing. Allele origin: germline. Affected: yes. Observed: 3 variant alleles.
Comment: NUP188: BP4, BS2

Ambry Genetics
Classification: Likely benign for Inborn genetic diseases. Last evaluated: 2022-04-08. Review status: criteria provided, single submitter. Criteria: Ambry Variant Classification Scheme 2023. Collection method: clinical testing. Allele origin: germline.

PreventionGenetics, part of Exact Sciences
Classification: Benign for NUP188-related condition. Last evaluated: 2019-04-03. Review status: no assertion criteria provided. Collection method: clinical testing. Allele origin: germline. Not counted in ClinVar's aggregate classification.
Comment: This variant is classified as benign based on ACMG/AMP sequence variant interpretation guidelines (Richards et al. 2015 PMID: 25741868, with internal and published modifications).